The following is an entry in ClinVar:

NM_000521.4(HEXB):c.1104A>C (p.Gln368His)

Gene: HEXB (hexosaminidase subunit beta; plus strand). Cytogenetic location: 5q13.3.
Variant type: single nucleotide variant.
Coding change: c.1104A>C on transcript NM_000521.4 (MANE Select); coding-DNA position 1104, A replaced by C.
Protein change: p.Gln368His; replaces glutamine 368 with histidine.
Molecular consequence: missense variant.
Genome position (GRCh38, 1-based): chr5:74,716,608, A>C. VCF-style: chr5-74716608-A-C. GRCh37 (hg19) VCF-style: chr5-74012433-A-C.
Other names: c.1104A>C (NM_000521.3); c.429A>C, p.Gln143His (NM_001292004.2); short protein forms Q143H, Q368H.
Identifiers: ClinVar variation 2144233 (VCV002144233.3), dbSNP rs143375202, ClinGen allele CA3306037.

ClinVar aggregate classification (germline): Uncertain significance. Review status: criteria provided, multiple submitters, no conflicts (2 of 4 stars). 2 submissions from 2 submitters: Uncertain significance (2). Last evaluated 2025-11-03.

Conditions:
Inborn genetic diseases. Identifiers: MedGen C0950123, MeSH D030342.
Sandhoff disease. Also called: Beta-hexosaminidase-beta-subunit deficiency; GM2 gangliosidosis, type 2; Total hexosaminidase deficiency; Sandhoff-Jatzkewitz-Pilz disease; GM2-GANGLIOSIDOSIS, TYPE II; HEXOSAMINIDASES A AND B DEFICIENCY. Identifiers: Orphanet 796, MedGen C0036161, MONDO:0010006, OMIM 268800.

Allele frequency attached by ClinVar (database versions not stated): ESP Exome Variant Server 0.00015; TOPMed 0.00002; ExAC 0.00003.
gnomAD v4.1: 9 of 1,608,396 alleles (0.00056%); highest among the groups gnomAD compares: Admixed American, 0.0017%; no homozygotes.

Submissions (2):

Ambry Genetics
Classification: Uncertain significance for Inborn genetic diseases. Last evaluated: 2025-11-03. Review status: criteria provided, single submitter. Criteria: Ambry Variant Classification Scheme 2023. Collection method: clinical testing. Allele origin: germline.

Labcorp Genetics (formerly Invitae), Labcorp
Classification: Uncertain significance for Sandhoff disease. Last evaluated: 2021-08-27. Review status: criteria provided, single submitter. Criteria: Invitae Variant Classification Sherloc (09022015). Collection method: clinical testing. Allele origin: germline.
Comment: This sequence change replaces glutamine with histidine at codon 368 of the HEXB protein (p.Gln368His). The glutamine residue is weakly conserved and there is a small physicochemical difference between glutamine and histidine. This variant is present in population databases (rs143375202, ExAC 0.005%). This variant has not been reported in the literature in individuals affected with HEXB-related conditions. Algorithms developed to predict the effect of missense changes on protein structure and function (SIFT, PolyPhen-2, Align-GVGD) all suggest that this variant is likely to be tolerated. In summary, the available evidence is currently insufficient to determine the role of this variant in disease. Therefore, it has been classified as a Variant of Uncertain Significance.